The following is an entry in ClinVar:

NM_001278116.2(L1CAM):c.1108G>A (p.Gly370Arg)

Gene: L1CAM (L1 cell adhesion molecule; minus strand). Cytogenetic location: Xq28.
Variant type: single nucleotide variant.
Coding change: c.1108G>A on transcript NM_001278116.2 (MANE Select); coding-DNA position 1108, G replaced by A.
Protein change: p.Gly370Arg; replaces glycine 370 with arginine.
Molecular consequence: missense variant.
Genome position (GRCh38, 1-based): chrX:153,869,818, C>T on the plus strand (G>A on the coding strand, the complement: L1CAM is on the minus strand). VCF-style: chrX-153869818-C-T. GRCh37 (hg19) VCF-style: chrX-153135273-C-T.
Other names: L1CAM, GLY370ARG; c.1108G>A, p.Gly370Arg (NM_000425.5, NM_024003.3); c.1093G>A, p.Gly365Arg (NM_001143963.2); short protein forms G370R, G365R.
Identifiers: ClinVar variation 9995 (VCV000009995.19), dbSNP rs137852524, ClinGen allele CA254962.
Genomic context (GRCh38, chrX:153,869,818, plus strand): 5'-CCAGGGCTCGCCACACTCCCCACTCCTGCCTGAGGCCCTGCTCACCCTCCACAGGGATCC[C>T]GTTGATTCTCCAGGTGACCTCTGGTTGGGGCCTGCCCTGGACTTGGCAGTCCAGGCGGGC-3'
Protein context (NP_001265045.1, residues 360-380): PQPEVTWRIN[Gly370Arg]IPVEELAKDQ

ClinVar aggregate classification (germline): Pathogenic. Review status: criteria provided, multiple submitters, no conflicts (2 of 4 stars). 5 submissions from 5 submitters: Pathogenic (4). 1 of the submissions does not count toward it. Last evaluated 2024-06-19.

Conditions:
L1CAM-related disorders.
Spastic paraplegia. Identifiers: MedGen C0037772, HP:0001258.
MASA syndrome. Also called: MASA Syndrome (Mental Retardation, Adducted Thumbs, Shuffling Gait, and Aphasia); ADDUCTED THUMB WITH MENTAL RETARDATION; CRASH syndrome; MENTAL RETARDATION, APHASIA, SHUFFLING GAIT, AND ADDUCTED THUMBS; SPASTIC PARAPLEGIA 1, X-LINKED; MASA (Mental Retardation, Adducted Thumbs, Shuffling Gait, Aphasia) Syndrome, Including SPG1 (X-Linked Complicated Hereditary Spastic Paraplegia Type 1). Identifiers: Orphanet 2466, MedGen C0795953, MONDO:0010559, OMIM 303350.
X-linked hydrocephalus syndrome (HYCX). Also called: X-linked hydrocephalus; HYDROCEPHALUS, CONGENITAL, X-LINKED; X-Linked Hydrocephalus with Stenosis of the Aqueduct of Sylvius (HSAS); AQUEDUCTAL STENOSIS, X-LINKED; X-Linked Hydrocephalus with Stenosis of the Aqueduct of Sylvius. Identifiers: Orphanet 2182, MedGen C0265216, MONDO:0010611, OMIM 307000.

Submissions (5):

Labcorp Genetics (formerly Invitae), Labcorp
Classification: Pathogenic for Spastic paraplegia. Last evaluated: 2024-06-19. Review status: criteria provided, single submitter. Criteria: Invitae Variant Classification Sherloc (09022015). Collection method: clinical testing. Allele origin: germline.
Comment: This sequence change replaces glycine, which is neutral and non-polar, with arginine, which is basic and polar, at codon 370 of the L1CAM protein (p.Gly370Arg). This variant is not present in population databases (gnomAD no frequency). This missense change has been observed in individual(s) with L1 syndrome (PMID: 7562969, 8062435). It has also been observed to segregate with disease in related individuals. ClinVar contains an entry for this variant (Variation ID: 9995). Advanced modeling of protein sequence and biophysical properties (such as structural, functional, and spatial information, amino acid conservation, physicochemical variation, residue mobility, and thermodynamic stability) performed at Invitae indicates that this missense variant is expected to disrupt L1CAM protein function with a positive predictive value of 95%. Experimental studies have shown that this missense change affects L1CAM function (PMID: 11772994). For these reasons, this variant has been classified as Pathogenic.

Baylor Genetics
Classification: Pathogenic for L1CAM-related disorders. Last evaluated: 2023-12-17. Review status: criteria provided, single submitter. Criteria: ACMG Guidelines, 2015. Collection method: clinical testing. Allele origin: unknown.

GeneDx
Classification: Pathogenic. Last evaluated: 2020-07-07. Review status: criteria provided, single submitter. Criteria: GeneDx Variant Classification Process June 2021. Collection method: clinical testing. Allele origin: germline. Affected: yes.
Comment: Published functional studies demonstrate that G370R affects a key residue in the Ig4 domain and significantly reduces homophilic ligand binding (De Angelis et al., 2002); Not observed in large population cohorts (Lek et al., 2016); In silico analysis supports that this missense variant has a deleterious effect on protein structure/function; This variant is associated with the following publications: (PMID: 11772994, 7562969, 8062435)

Centre for Mendelian Genomics, University Medical Centre Ljubljana
Classification: Pathogenic for X-linked hydrocephalus syndrome. Last evaluated: 2016-01-01. Review status: criteria provided, single submitter. Criteria: ACMG Guidelines, 2015. Collection method: clinical testing. Allele origin: unknown. Affected: yes.
Comment: This variant was classified as: Pathogenic. The following ACMG criteria were applied in classifying this variant: PS1,PS3,PM2,PP3. This variant was detected in hemizygous state.

OMIM
Classification: Pathogenic for CRASH SYNDROME. Last evaluated: 1995-07-01. Review status: no assertion criteria provided. Collection method: literature only. Allele origin: germline. Not counted in ClinVar's aggregate classification.

Literature cited by the submitters: PubMed 7562969 (cited by Labcorp Genetics (formerly Invitae), Labcorp and OMIM); PubMed 8062435 (cited by Labcorp Genetics (formerly Invitae), Labcorp and OMIM); PubMed 11772994 (cited by Labcorp Genetics (formerly Invitae), Labcorp).